The following is an entry in ClinVar:

ClinVar aggregate classification (germline): Pathogenic. Review status: criteria provided, multiple submitters, no conflicts (2 of 4 stars). 4 submissions from 4 submitters: Pathogenic (3). 1 of the submissions does not count toward it. Last evaluated 2026-02-24.

Conditions:
Familial adenomatous polyposis 1 (FAP1). Also called: FAMILIAL ADENOMATOUS POLYPOSIS 1, ATTENUATED; POLYPOSIS, ADENOMATOUS INTESTINAL. Identifiers: MedGen C2713442, MONDO:0021056, OMIM 175100. Disease mechanism: loss of function.
Hereditary cancer-predisposing syndrome. Also called: Neoplastic Syndromes, Hereditary; Tumor predisposition; Hereditary neoplastic syndrome; Hereditary Cancer Syndrome. Identifiers: Orphanet 140162, MedGen C0027672, MeSH D009386, MONDO:0015356.

Submissions (4):

Ambry Genetics
Classification: Pathogenic for Hereditary cancer-predisposing syndrome. Last evaluated: 2026-02-24. Review status: criteria provided, single submitter. Criteria: Ambry Variant Classification Scheme 2023. Collection method: clinical testing. Allele origin: germline.
Comment: The c.3497_3501delATAAT pathogenic variant, located in coding exon 15 of the APC gene, results from a deletion of 5 nucleotides at nucleotide positions 3497 to 3501, causing a translational frameshift with a predicted alternate stop codon (p.Y1166*). This variant occurs at the 3' terminus of the gene, is not expected to trigger nonsense-mediated mRNA decay, and impacts the last 59% of the protein. However, premature stop codons are typically deleterious in nature and a significant portion of the protein is affected (Ambry internal data). This variant was reported in individual(s) with features consistent with APC-related familial adenosis polyposis (Ambry internal data). This variant is considered to be rare based on population cohorts in the Genome Aggregation Database (gnomAD). Based on the supporting evidence, this variant is interpreted as a disease-causing mutation.

Myriad Genetics, Inc.
Classification: Pathogenic for Familial adenomatous polyposis 1. Last evaluated: 2023-05-08. Review status: criteria provided, single submitter. Criteria: Myriad Autosomal Dominant, Autosomal Recessive and X-Linked Classification Criteria (2023). Collection method: clinical testing. Allele origin: unknown.
Comment: This variant is considered pathogenic. This variant creates a termination codon and is predicted to result in premature protein truncation.

Institute of Medical Genetics and Applied Genomics, University Hospital Tübingen
Classification: Pathogenic. Last evaluated: 2020-10-23. Review status: criteria provided, single submitter. Criteria: ACMG Guidelines, 2015. Collection method: clinical testing. Allele origin: germline. Inheritance: Autosomal dominant inheritance. Affected: yes.

Department of Pathology and Laboratory Medicine, Sinai Health System
Classification: Pathogenic. Review status: no assertion criteria provided. Collection method: clinical testing. Allele origin: unknown. Affected: yes. Study: The Canadian Open Genetics Repository (COGR). Not counted in ClinVar's aggregate classification.
Comment: The APC p.Tyr1166X variant was not identified in the literature. The variant was identified in the InSiGHT Colon Cancer Gene Variant Database-LOVD (1x unclassified) and in the UMD-APC database (1x as causal). The variant was not identified in the dbSNP, Clinvitae database, COSMIC, Zhejiang Colon Cancer Database-LOVD, ClinVar database, and GeneInsight - COGR database. The c.3947_3501delATAAT variant is predicted to cause a frameshift, which alters the protein's amino acid sequence beginning at codon 1166 and leads to a premature stop codon at position 1166. This alteration is then predicted to result in a truncated or absent protein and loss of function. Loss of function variants of the APC gene are an established mechanism of disease in familial adenomatous polyposis and is the type of variant expected to cause the disorder. In summary, based on the above information, this variant meets our laboratoryâ€šÃ„Ã´s criteria to be classified as pathogenic.

Literature cited by the submitters: PubMed 16478792 (cited by Ambry Genetics).

NM_000038.6(APC):c.3497_3501del (p.Lys1165_Tyr1166insTer)

Gene: APC (APC regulator of Wnt signaling pathway; plus strand). Cytogenetic location: 5q22.2.
Variant type: Deletion.
Coding change: c.3497_3501del on transcript NM_000038.6 (MANE Select); coding-DNA positions 3497 to 3501, 5 bases deleted (ATAAT; older notation c.3497_3501delATAAT).
Protein change: p.Lys1165_Tyr1166insTer.
Molecular consequence: nonsense.
Genome position (GRCh38, 1-based): chr5:112,839,091-112,839,095, ATAAT deleted; deleting any 5 consecutive bases within chr5:112,839,088-112,839,095 gives the same sequence; the c. name uses the placement nearest the transcript's 3' end. VCF-style (leftmost placement, unchanged base first): chr5-112839087-AAATAT-A. GRCh37 (hg19) VCF-style: chr5-112174784-AAATAT-A.
Other names: c.3497_3501del, p.Lys1165_Tyr1166insTer (NM_001127510.3, NM_001354895.2); c.3443_3447del, p.Lys1147_Tyr1148insTer (NM_001127511.3); c.3551_3555del, p.Lys1183_Tyr1184insTer (NM_001354896.2); c.3527_3531del, p.Lys1175_Tyr1176insTer (NM_001354897.2); c.3422_3426del, p.Lys1140_Tyr1141insTer (NM_001354898.2); c.3413_3417del, p.Lys1137_Tyr1138insTer (NM_001354899.2); c.3374_3378del, p.Lys1124_Tyr1125insTer (NM_001354900.2); c.3320_3324del, p.Lys1106_Tyr1107insTer (NM_001354901.2); and 5 more.
Identifiers: ClinVar variation 433647 (VCV000433647.6), dbSNP rs1554085053, ClinGen allele CA645372787.